The following is an entry in ClinVar:

ClinVar aggregate classification (germline): Uncertain significance (1 of 4 stars; one submission).

Conditions:
Branchiooculofacial syndrome (BOFS). Also called: HEMANGIOMATOUS BRANCHIAL CLEFTS-LIP PSEUDOCLEFT SYNDROME; LIP PSEUDOCLEFT-HEMANGIOMATOUS BRANCHIAL CYST SYNDROME; BOF SYNDROME; Branchio-Oculo-Facial Syndrome. Identifiers: Orphanet 1297, MedGen C0376524, MeSH D019280, MONDO:0007235, OMIM 113620.

Submission:

Juno Genomics, Hangzhou Juno Genomics, Inc
Classification: Uncertain significance for Branchiooculofacial syndrome. Review status: criteria provided, single submitter. Criteria: ACMG Guidelines, 2015. Collection method: clinical testing. Allele origin: germline.
Comment: Absent from controls (or at extremely low frequency if recessive) in Genome Aggregation Database.;Multiple lines of computational evidence support a deleterious effect on the gene or gene product.

NM_001372066.1(TFAP2A):c.728C>G (p.Pro243Arg)

Genes: TFAP2A (transcription factor AP-2 alpha; minus strand), TFAP2A-AS2 (TFAP2A antisense RNA 2; plus strand), LOC121740638 (BRD4-independent group 4 enhancer GRCh37_chr6:10403277-10404476; plus strand). Cytogenetic location: 6p24.3.
Variant type: single nucleotide variant.
Coding change: c.728C>G on transcript NM_001372066.1 (MANE Select); coding-DNA position 728, C replaced by G.
Protein change: p.Pro243Arg; replaces proline 243 with arginine.
Molecular consequence: missense variant. On other transcripts: non-coding transcript variant (1).
Genome position (GRCh38, 1-based): chr6:10,404,550, G>C on the plus strand (C>G on the coding strand, the complement: TFAP2A is on the minus strand). VCF-style: chr6-10404550-G-C. GRCh37 (hg19) VCF-style: chr6-10404783-G-C.
Other names: c.704C>G, p.Pro235Arg (NM_001032280.3); c.710C>G, p.Pro237Arg (NM_001042425.3); short protein forms P243R, P235R, P237R.
Identifiers: ClinVar variation 5006942 (VCV005006942.2).